The following is an entry in ClinVar:

ClinVar aggregate classification (germline): Pathogenic. Review status: criteria provided, multiple submitters, no conflicts (2 of 4 stars). 2 submissions from 2 submitters: Pathogenic (2). Last evaluated 2025-09-29.

Conditions:
Dilated cardiomyopathy 1HH (CMD1HH). Identifiers: Orphanet 154, MedGen C3151293, MONDO:0013479, OMIM 613881.
Myofibrillar myopathy 6. Identifiers: Orphanet 199340, MedGen C2751831, MONDO:0013061, OMIM 612954.

Submissions (2):

Labcorp Genetics (formerly Invitae), Labcorp
Classification: Pathogenic for Dilated cardiomyopathy 1HH; Myofibrillar myopathy 6. Last evaluated: 2025-09-29. Review status: criteria provided, single submitter. Criteria: Invitae Variant Classification Sherloc (09022015). Collection method: clinical testing. Allele origin: germline.
Comment: This sequence change creates a premature translational stop signal (p.Glu239*) in the BAG3 gene. It is expected to result in an absent or disrupted protein product. Loss-of-function variants in BAG3 are known to be pathogenic (PMID: 21353195, 25008357). This variant is not present in population databases (gnomAD no frequency). This variant has not been reported in the literature in individuals affected with BAG3-related conditions. ClinVar contains an entry for this variant (Variation ID: 987117). For these reasons, this variant has been classified as Pathogenic.

Institute of Medical Genetics and Applied Genomics, University Hospital Tübingen
Classification: Pathogenic. Last evaluated: 2020-10-23. Review status: criteria provided, single submitter. Criteria: ACMG Guidelines, 2015. Collection method: clinical testing. Allele origin: germline. Inheritance: Autosomal dominant inheritance. Affected: yes.

Literature cited by the submitters: PubMed 21353195 (cited by Labcorp Genetics (formerly Invitae), Labcorp); PubMed 25008357 (cited by Labcorp Genetics (formerly Invitae), Labcorp).

NM_004281.4(BAG3):c.715G>T (p.Glu239Ter)

Gene: BAG3 (BAG cochaperone 3; plus strand). Cytogenetic location: 10q26.11.
Variant type: single nucleotide variant.
Coding change: c.715G>T on transcript NM_004281.4 (MANE Select); coding-DNA position 715, G replaced by T.
Protein change: p.Glu239Ter; replaces glutamic acid 239 with a stop codon.
Molecular consequence: nonsense.
Genome position (GRCh38, 1-based): chr10:119,672,462, G>T. VCF-style: chr10-119672462-G-T. GRCh37 (hg19) VCF-style: chr10-121431974-G-T.
Other names: short protein forms E239*.
Identifiers: ClinVar variation 987117 (VCV000987117.3), dbSNP rs148544471, ClinGen allele CA378295647.